The following is an entry in ClinVar:

ClinVar aggregate classification (germline): Uncertain significance (1 of 4 stars; one submission).

Conditions:
Cardiovascular phenotype. Identifiers: MedGen CN230736.

Submission:

Ambry Genetics
Classification: Uncertain significance for Cardiovascular phenotype. Last evaluated: 2024-06-30. Review status: criteria provided, single submitter. Criteria: Ambry Variant Classification Scheme 2023. Collection method: clinical testing. Allele origin: germline.
Comment: The p.F281S variant (also known as c.842T>C), located in coding exon 3 of the ALPK3 gene, results from a T to C substitution at nucleotide position 842. The phenylalanine at codon 281 is replaced by serine, an amino acid with highly dissimilar properties. This amino acid position is conserved. In addition, the in silico prediction for this alteration is inconclusive. Based on the available evidence, the clinical significance of this variant remains unclear.

NM_020778.5(ALPK3):c.236T>C (p.Phe79Ser)

Gene: ALPK3 (alpha kinase 3; plus strand). Cytogenetic location: 15q25.3.
Variant type: single nucleotide variant.
Coding change: c.236T>C on transcript NM_020778.5 (MANE Select); coding-DNA position 236, T replaced by C.
Protein change: p.Phe79Ser; replaces phenylalanine 79 with serine.
Molecular consequence: missense variant.
Genome position (GRCh38, 1-based): chr15:84,827,537, T>C. VCF-style: chr15-84827537-T-C. GRCh37 (hg19) VCF-style: chr15-85370768-T-C.
Other names: short protein forms F79S.
Identifiers: ClinVar variation 3532765 (VCV003532765.1).
Genomic context (GRCh38, chr15:84,827,537, plus strand): 5'-CTCTTAGGAGCACCTTCTGCTCCATCATTGCTCAGCTCACAGAGGAGACCCAGCCGCTAT[T>C]TGAGACCACGCTCAAGTCCCGGTCTGTGTCCGAGGACAGCGACGTCAGGTTCACCTGCAT-3'
Protein context (NP_065829.4, residues 69-89): AQLTEETQPL[Phe79Ser]ETTLKSRSVS